The following is an entry in ClinVar:

NC_000002.11:g.(?_56137965)_(56144944_?)del

Gene: EFEMP1 (EGF containing fibulin extracellular matrix protein 1; minus strand). Cytogenetic location: 2p16.1.
Variant type: Deletion.
Identifiers: ClinVar variation 2423543 (VCV002423543.4).

ClinVar aggregate classification (germline): Uncertain significance (1 of 4 stars; one submission).

Submission:

Labcorp Genetics (formerly Invitae), Labcorp
Classification: Uncertain significance. Last evaluated: 2021-12-15. Review status: criteria provided, single submitter. Criteria: Invitae Variant Classification Sherloc (09022015). Collection method: clinical testing. Allele origin: germline.
Comment: In summary, the available evidence is currently insufficient to determine the role of this variant in disease. Therefore, it has been classified as a Variant of Uncertain Significance. Experimental studies and prediction algorithms are not available or were not evaluated, and the functional significance of this variant is currently unknown. This variant has not been reported in the literature in individuals affected with EFEMP1-related conditions. This variant results in the deletion of part of exon 5 (c.373_517+6835del) of the EFEMP1 gene. It is expected to disrupt RNA splicing. Variants that disrupt the donor or acceptor splice site typically lead to a loss of protein function (PMID: 16199547), however the current clinical and genetic evidence is not sufficient to establish whether loss-of-function variants in EFEMP1 cause disease.

Literature cited by the submitters: PubMed 16199547.